The following is an entry in ClinVar:

ClinVar aggregate classification (germline): Conflicting classifications of pathogenicity. Review status: criteria provided, conflicting classifications (1 of 4 stars). 7 submissions from 7 submitters: Uncertain significance (3); Benign (1); Likely benign (1). 2 of the submissions do not count toward it. Last evaluated 2026-10-01.

Conditions:
Inborn genetic diseases. Identifiers: MedGen C0950123, MeSH D030342.
EAST syndrome (SESAMES). Also called: SEIZURES, SENSORINEURAL DEAFNESS, ATAXIA, IMPAIRED INTELLECTUAL DEVELOPMENT, AND ELECTROLYTE IMBALANCE. Identifiers: Orphanet 199343, MedGen C2748572, MONDO:0013005, OMIM 612780.
Autosomal recessive nonsyndromic hearing loss 4 (DFNB4). Also called: NEUROSENSORY NONSYNDROMIC RECESSIVE DEAFNESS 4; Nonsyndromic enlarged vestibular aqueduct (NSEVA); DEAFNESS, AUTOSOMAL RECESSIVE 4, WITH ENLARGED VESTIBULAR AQUEDUCT, DIGENIC; Deafness, autosomal recessive 4, with enlarged vestibular aqueduct; Deafness, autosomal recessive 4; FOXI1-Related Pendred Syndrome. Identifiers: Orphanet 90636, MedGen C3538946, MONDO:0010933, OMIM 600791.

Allele frequency attached by ClinVar (database versions not stated): TOPMed 0.00022; ESP Exome Variant Server 0.00054.
gnomAD v4.1: 457 of 1,613,772 alleles (0.028%); highest among the groups gnomAD compares: Non-Finnish European, 0.036%; no homozygotes.

Submissions (7):

GeneDx
Classification: Uncertain significance. Last evaluated: 2026-10-01. Review status: criteria provided, single submitter. Criteria: GeneDx Variant Classification Process June 2021. Collection method: clinical testing. Allele origin: germline.
Comment: In silico analysis suggests that this missense variant does not alter protein structure/function; Has not been previously published as pathogenic or benign to our knowledge

Labcorp Genetics (formerly Invitae), Labcorp
Classification: Likely benign for EAST syndrome. Last evaluated: 2026-01-11. Review status: criteria provided, single submitter. Criteria: Invitae Variant Classification Sherloc (09022015). Collection method: clinical testing. Allele origin: germline.

Ambry Genetics
Classification: Benign for Inborn genetic diseases. Last evaluated: 2024-04-23. Review status: criteria provided, single submitter. Criteria: Ambry Variant Classification Scheme 2023. Collection method: clinical testing. Allele origin: germline.

Fulgent Genetics
Classification: Uncertain significance for Autosomal recessive nonsyndromic hearing loss 4; EAST syndrome. Last evaluated: 2024-01-08. Review status: criteria provided, single submitter. Criteria: ACMG Guidelines, 2015. Collection method: clinical testing. Allele origin: germline.

Genetic Services Laboratory, University of Chicago
Classification: Uncertain significance. Last evaluated: 2015-09-03. Review status: criteria provided, single submitter. Criteria: ACMG Guidelines, 2015. Collection method: clinical testing. Allele origin: germline. Affected: no.

Clinical Genetics DNA and cytogenetics Diagnostics Lab, Erasmus MC, Erasmus Medical Center
Classification: Likely benign. Review status: no assertion criteria provided. Collection method: clinical testing. Allele origin: germline. Affected: yes. Study: VKGL Data-share Consensus. Not counted in ClinVar's aggregate classification.

Genome Diagnostics Laboratory, University Medical Center Utrecht
Classification: Likely benign. Review status: no assertion criteria provided. Collection method: clinical testing. Allele origin: germline. Affected: yes. Study: VKGL Data-share Consensus. Not counted in ClinVar's aggregate classification.

NM_002241.5(KCNJ10):c.300C>A (p.Asp100Glu)

Gene: KCNJ10 (potassium inwardly rectifying channel subfamily J member 10; minus strand). Cytogenetic location: 1q23.2.
Variant type: single nucleotide variant.
Coding change: c.300C>A on transcript NM_002241.5 (MANE Select); coding-DNA position 300, C replaced by A.
Protein change: p.Asp100Glu; replaces aspartic acid 100 with glutamic acid.
Molecular consequence: missense variant.
Genome position (GRCh38, 1-based): chr1:160,042,233, G>T on the plus strand (C>A on the coding strand, the complement: KCNJ10 is on the minus strand). VCF-style: chr1-160042233-G-T. GRCh37 (hg19) VCF-style: chr1-160012023-G-T.
Other names: short protein forms D100E.
Identifiers: ClinVar variation 435553 (VCV000435553.26), dbSNP rs139069413, ClinGen allele CA1193259.
Genomic context (GRCh38, chr1:160,042,233, plus strand): 5'-GAGGAAGGCTCCAGTGAGTGTGTGCACCTGTACCACACAGGGGGTGTGGTTGGCCGGGGG[G>T]TCCAGCTCCAGCAGGTCCCCATGTGCCACAGCTACCAGATACCACACCACGCCAAAGAGG-3'
Protein context (NP_002232.2, residues 90-110): AVAHGDLLEL[Asp100Glu]PPANHTPCVV